The following is an entry in ClinVar:

ClinVar aggregate classification (germline): Uncertain significance (1 of 4 stars; one submission).

Submission:

Labcorp Genetics (formerly Invitae), Labcorp
Classification: Uncertain significance. Last evaluated: 2024-08-15. Review status: criteria provided, single submitter. Criteria: Invitae Variant Classification Sherloc (09022015). Collection method: clinical testing. Allele origin: germline.
Comment: This sequence change replaces proline, which is neutral and non-polar, with serine, which is neutral and polar, at codon 1035 of the TUBGCP6 protein (p.Pro1035Ser). This variant is not present in population databases (gnomAD no frequency). This variant has not been reported in the literature in individuals affected with TUBGCP6-related conditions. ClinVar contains an entry for this variant (Variation ID: 1360844). An algorithm developed to predict the effect of missense changes on protein structure and function outputs the following: PolyPhen-2: "Benign". The serine amino acid residue is found in multiple mammalian species, which suggests that this missense change does not adversely affect protein function. Algorithms developed to predict the effect of sequence changes on RNA splicing suggest that this variant may create or strengthen a splice site. In summary, the available evidence is currently insufficient to determine the role of this variant in disease. Therefore, it has been classified as a Variant of Uncertain Significance.

NM_020461.4(TUBGCP6):c.3103C>T (p.Pro1035Ser)

Gene: TUBGCP6 (tubulin gamma complex component 6; minus strand). Cytogenetic location: 22q13.33.
Variant type: single nucleotide variant.
Coding change: c.3103C>T on transcript NM_020461.4 (MANE Select); coding-DNA position 3103, C replaced by T.
Protein change: p.Pro1035Ser; replaces proline 1035 with serine.
Molecular consequence: missense variant.
Genome position (GRCh38, 1-based): chr22:50,221,256, G>A on the plus strand (C>T on the coding strand, the complement: TUBGCP6 is on the minus strand). VCF-style: chr22-50221256-G-A. GRCh37 (hg19) VCF-style: chr22-50659685-G-A.
Other names: short protein forms P1035S.
Identifiers: ClinVar variation 1360844 (VCV001360844.8), dbSNP rs2147179458, ClinGen allele CA412184888.